The following is an entry in ClinVar:

ClinVar aggregate classification (germline): Uncertain significance (1 of 4 stars; one submission).

Submission:

Labcorp Genetics (formerly Invitae), Labcorp
Classification: Uncertain significance. Last evaluated: 2023-08-19. Review status: criteria provided, single submitter. Criteria: Invitae Variant Classification Sherloc (09022015). Collection method: clinical testing. Allele origin: germline.
Comment: In summary, the available evidence is currently insufficient to determine the role of this variant in disease. Therefore, it has been classified as a Variant of Uncertain Significance. Advanced modeling of protein sequence and biophysical properties (such as structural, functional, and spatial information, amino acid conservation, physicochemical variation, residue mobility, and thermodynamic stability) performed at Invitae indicates that this missense variant is not expected to disrupt ELOVL4 protein function. This variant has not been reported in the literature in individuals affected with ELOVL4-related conditions. This variant is not present in population databases (gnomAD no frequency). This sequence change replaces isoleucine, which is neutral and non-polar, with threonine, which is neutral and polar, at codon 252 of the ELOVL4 protein (p.Ile252Thr).

NM_022726.4(ELOVL4):c.755T>C (p.Ile252Thr)

Gene: ELOVL4 (ELOVL fatty acid elongase 4; minus strand). Cytogenetic location: 6q14.1.
Variant type: single nucleotide variant.
Coding change: c.755T>C on transcript NM_022726.4 (MANE Select); coding-DNA position 755, T replaced by C.
Protein change: p.Ile252Thr; replaces isoleucine 252 with threonine.
Molecular consequence: missense variant.
Genome position (GRCh38, 1-based): chr6:79,916,798, A>G on the plus strand (T>C on the coding strand, the complement: ELOVL4 is on the minus strand). VCF-style: chr6-79916798-A-G. GRCh37 (hg19) VCF-style: chr6-80626515-A-G.
Other names: short protein forms I252T.
Identifiers: ClinVar variation 2754098 (VCV002754098.3), dbSNP rs780609913, ClinGen allele CA364655916.